The following is an entry in ClinVar:

NM_000420.3(KEL):c.1593-4A>T

Gene: KEL (Kell metallo-endopeptidase (Kell blood group); minus strand). Cytogenetic location: 7q34.
Variant type: single nucleotide variant.
Coding change: c.1593-4A>T on transcript NM_000420.3 (MANE Select); 4 bases into the intron before coding-DNA position 1593, A replaced by T.
Molecular consequence: intron variant.
Genome position (GRCh38, 1-based): chr7:142,943,600, T>A on the plus strand (A>T on the coding strand, the complement: KEL is on the minus strand). VCF-style: chr7-142943600-T-A. GRCh37 (hg19) VCF-style: chr7-142640687-T-A.
Identifiers: ClinVar variation 3043137 (VCV003043137.2), dbSNP rs8176035, ClinGen allele CA4534160.

ClinVar aggregate classification (germline): Benign (0 of 4 stars; one submission).

Conditions:
KEL-related disorder. Also called: KEL-related condition.

Allele frequency attached by ClinVar (database versions not stated): ExAC 0.00088; TOPMed 0.00281; gnomAD 0.00287; 1000 Genomes Project 0.00300; 1000 Genomes Project 30x 0.00312; ESP Exome Variant Server 0.00315.
gnomAD v4.1: 846 of 1,607,582 alleles (0.053%); highest among the groups gnomAD compares: African/African-American, 0.98%; 5 homozygotes.

Submission:

PreventionGenetics, part of Exact Sciences
Classification: Benign for KEL-related condition. Last evaluated: 2019-06-27. Review status: no assertion criteria provided. Collection method: clinical testing. Allele origin: germline.
Comment: This variant is classified as benign based on ACMG/AMP sequence variant interpretation guidelines (Richards et al. 2015 PMID: 25741868, with internal and published modifications).